The following is an entry in ClinVar:

NM_000540.3(RYR1):c.14803+3C>A

Gene: RYR1 (ryanodine receptor 1; plus strand). Cytogenetic location: 19q13.2.
Variant type: single nucleotide variant.
Coding change: c.14803+3C>A on transcript NM_000540.3 (MANE Select); 3 bases into the intron after coding-DNA position 14803, C replaced by A.
Molecular consequence: intron variant.
Genome position (GRCh38, 1-based): chr19:38,585,102, C>A. VCF-style: chr19-38585102-C-A. GRCh37 (hg19) VCF-style: chr19-39075742-C-A.
Other names: c.14788+3C>A (NM_001042723.2).
Identifiers: ClinVar variation 3336479 (VCV003336479.1).
Genomic context (GRCh38, chr19:38,585,102, plus strand): 5'-GTCTTCGACATCACCTTCTTCTTCTTCGTCATCGTCATCCTGTTGGCCATCATCCAGGGT[C>A]AGTGCTGGGAGTGGGCGCTCAGGGCCCGGAGGCAGGCTAGCTCCATGGCTAAGAATGCAG-3'

ClinVar aggregate classification (germline): Uncertain significance (1 of 4 stars; one submission).

Submission:

Women's Health and Genetics/Laboratory Corporation of America, LabCorp
Classification: Uncertain significance. Last evaluated: 2024-05-21. Review status: criteria provided, single submitter. Criteria: LabCorp Variant Classification Summary - May 2015. Collection method: clinical testing. Allele origin: germline.
Comment: Variant summary: RYR1 c.14803+3C>A alters a non-conserved nucleotide located close to a canonical splice site and therefore could affect mRNA splicing, leading to a significantly altered protein sequence. Consensus agreement among computation tools predict no significant impact on normal splicing. However, these predictions have yet to be confirmed by functional studies. The variant was absent in 250110 control chromosomes. The available data on variant occurrences in the general population are insufficient to allow any conclusion about variant significance. To our knowledge, no occurrence of c.14803+3C>A in individuals affected with Myopathy, RYR1-Associated and no experimental evidence demonstrating its impact on protein function have been reported. No submitters have cited clinical-significance assessments for this variant to ClinVar. Based on the evidence outlined above, the variant was classified as uncertain significance.